The following is an entry in ClinVar:

ClinVar aggregate classification (germline): Uncertain significance (1 of 4 stars; one submission).

gnomAD v4.1: 24 of 1,613,814 alleles (0.0015%); highest among the groups gnomAD compares: Non-Finnish European, 0.002%; no homozygotes.

Submission:

Mayo Clinic Laboratories, Mayo Clinic
Classification: Uncertain significance. Last evaluated: 2025-08-25. Review status: criteria provided, single submitter. Criteria: ACMG Guidelines, 2015. Collection method: clinical testing. Allele origin: germline. Observed: 1 variant allele.
Comment: BP4_moderate

NM_138272.3(MPIG6B):c.607C>T (p.Leu203=)

Gene: MPIG6B (megakaryocyte and platelet inhibitory receptor G6b; plus strand). Cytogenetic location: 6p21.33.
Variant type: single nucleotide variant.
Coding change: c.607C>T on transcript NM_138272.3 (MANE Select); coding-DNA position 607, C replaced by T.
Protein change: p.Leu203=; no amino-acid change (leucine 203 retained).
Molecular consequence: synonymous variant. On other transcripts: missense variant (3).
Genome position (GRCh38, 1-based): chr6:31,724,830, C>T. VCF-style: chr6-31724830-C-T. GRCh37 (hg19) VCF-style: chr6-31692607-C-T.
Other names: p.Pro209Leu; c.626C>T, p.Pro209Leu (NM_025260.4, NM_138277.3); c.535C>T, p.Leu179= (NM_138273.3); c.494C>T, p.Pro165Leu (NM_138274.3); c.475C>T, p.Leu159= (NM_138275.3); short protein forms P209L, P165L.
Identifiers: ClinVar variation 4541110 (VCV004541110.1).